The following is an entry in ClinVar:

ClinVar aggregate classification (germline): Uncertain significance (1 of 4 stars; one submission).

Allele frequency attached by ClinVar (database versions not stated): TOPMed below 0.00001; gnomAD 0.00001.
gnomAD v4.1: 1 of 456,182 alleles (0.00022%); highest among the groups gnomAD compares: African/African-American, 0.002%; no homozygotes.

Submission:

GeneDx
Classification: Uncertain significance. Last evaluated: 2016-07-06. Review status: criteria provided, single submitter. Criteria: GeneDx Variant Classification (06012015). Collection method: clinical testing. Allele origin: germline. Affected: yes.
Comment: This variant is denoted BRCA1 c.-20G>A, and describes a nucleotide substitution 20 base pairs upstream of the BRCA1 ATG translational start site in the 5' untranslated region (UTR). The surrounding sequence, with the base that is substituted in braces, is TAAA[G/A]GTAG. This variant has not, to our knowledge, been published in the literature as pathogenic or benign. Although this variant does not appear to affect the start codon or the Kozak translational consensus sequence, multiple splicing models predict it to damage the nearby natural splice donor site. However, in the absence of RNA or functional studies, the actual effect of this variant is unknown. BRCA1 c.-20G>A occurs at a position that is not conserved. Based on currently available information, it is unclear whether BRCA1 c.-20G>A is pathogenic or benign. We consider it to be a variant of uncertain significance.

NM_007294.4(BRCA1):c.-20G>A

Genes: BRCA1 (BRCA1 DNA repair associated; minus strand), LOC111589215 (BRCA1 promoter region; plus strand). Cytogenetic location: 17q21.31.
Variant type: single nucleotide variant.
Coding change: c.-20G>A on transcript NM_007294.4 (MANE Select); 20 bases upstream of the start codon, G replaced by A.
Molecular consequence: 5 prime UTR variant. On other transcripts: non-coding transcript variant (1), intron variant (2).
Genome position (GRCh38, 1-based): chr17:43,125,271, C>T on the plus strand (G>A on the coding strand, the complement: BRCA1 is on the minus strand). VCF-style: chr17-43125271-C-T. GRCh37 (hg19) VCF-style: chr17-41277288-C-T.
Other names: c.-20G>A (NM_007300.4); c.-107+6G>A (NM_007297.4); c.-20+6G>A (NM_007299.4).
Identifiers: ClinVar variation 265509 (VCV000265509.2), dbSNP rs886039588, ClinGen allele CA10588657.